The following is an entry in ClinVar:

ClinVar aggregate classification (germline): Uncertain significance (1 of 4 stars; one submission).

Conditions:
Inborn genetic diseases. Identifiers: MedGen C0950123, MeSH D030342.

Submission:

Ambry Genetics
Classification: Uncertain significance for Inborn genetic diseases. Last evaluated: 2026-06-08. Review status: criteria provided, single submitter. Criteria: Ambry Variant Classification Scheme 2023. Collection method: clinical testing. Allele origin: germline.
Comment: The p.N457D variant (also known as c.1369A>G), located in coding exon 8 of the ERCC6L2 gene, results from an A to G substitution at nucleotide position 1369. The asparagine at codon 457 is replaced by aspartic acid, an amino acid with highly similar properties. This amino acid position is conserved. In addition, the in silico prediction for this alteration is inconclusive. Based on the available evidence, the clinical significance of this variant remains unclear.

NM_020207.7(ERCC6L2):c.1369A>G (p.Asn457Asp)

Gene: ERCC6L2 (ERCC excision repair 6 like 2; plus strand). Cytogenetic location: 9q22.32.
Variant type: single nucleotide variant.
Coding change: c.1369A>G on transcript NM_020207.7 (MANE Select); coding-DNA position 1369, A replaced by G.
Protein change: p.Asn457Asp; replaces asparagine 457 with aspartic acid.
Molecular consequence: missense variant. On other transcripts: non-coding transcript variant (1).
Genome position (GRCh38, 1-based): chr9:95,922,374, A>G. VCF-style: chr9-95922374-A-G. GRCh37 (hg19) VCF-style: chr9-98684656-A-G.
Other names: c.1369A>G, p.Asn457Asp (NM_001010895.4, NM_001375291.1, NM_001375292.1 and 2 more transcripts); short protein forms N457D.
Identifiers: ClinVar variation 4870628 (VCV004870628.1).